The following is an entry in ClinVar:

ClinVar aggregate classification (germline): Pathogenic. Review status: reviewed by expert panel (3 of 4 stars). 5 submissions from 5 submitters: Pathogenic (1). 4 of the submissions do not count toward it. Last evaluated 2023-12-29.

Conditions:
Marfan syndrome (MFS). Also called: MARFAN SYNDROME, TYPE I; FBN1-Related Marfan Syndrome; Marfan syndrome type 1; Marfan's syndrome; Marfan syndrome, classic. Identifiers: Orphanet 284963, Orphanet 558, MedGen C0024796, MONDO:0007947, OMIM 154700.
Familial thoracic aortic aneurysm and aortic dissection (TAAD). Also called: Thoracic aortic aneurysms and dissections. Identifiers: Orphanet 91387, MedGen C4707243, MONDO:0019625.

Submissions (5):

ClinGen FBN1 Variant Curation Expert Panel, ClinGen
Classification: Pathogenic for Marfan syndrome. Last evaluated: 2023-12-29. Review status: reviewed by expert panel. Criteria: Assertion Criteria VCEP FBN1 Version 1. Collection method: curation. Allele origin: germline. Inheritance: Autosomal dominant inheritance.
Comment: NM_000138.5 c.3557A>G is a missense variant in FBN1 predicted to cause a substitution of a tyrosine by a cysteine at amino acid 1186 (p.Tyr1186Cys). It has been identified in at least five individuals with diagnoses or suspicion of Marfan syndrome including the following: a pediatric patient with bilateral ectopia lentis (EL), severe thoracic aortic aneurysm and dissection (TAAD), and a systemic score of 9; an adult patient with EL and a systemic score of 6; It was also found to segregate with Marfan syndrome in two other members of an aforementioned family (PP1; Bichat internal data). It is absent from gnomAD (PM2_supporting;, v2.1.1 & v3.1.2). This variant introduces a novel cysteine residue which may impede the normal formation of critical disulfide bridges (PM1). Computational prediction tools and conservation analysis support that this variant is likely to impact the protein (PP3; REVEL = 0.974). The constraint z-score for missense variants affecting FBN1 is 5.06 (PP2). In summary, this variant meets criteria to be classified as pathogenic for Marfan syndrome based on the ACMG/AMP criteria applied, as specified by the ClinGen FBN1 VCEP: PS4, PM1, PP1, PP2, PP3, PM2_supporting.

Centre for Clinical Genetics and Genomic Diagnostics, Zealand University Hospital
Classification: Pathogenic. Last evaluated: 2025-10-07. Review status: criteria provided, single submitter. Criteria: ACMG Guidelines, 2015. Collection method: clinical testing. Allele origin: de novo. Affected: yes. Not counted in ClinVar's aggregate classification.

Labcorp Genetics (formerly Invitae), Labcorp
Classification: Pathogenic for Marfan syndrome; Familial thoracic aortic aneurysm and aortic dissection. Last evaluated: 2025-05-03. Review status: criteria provided, single submitter. Criteria: Invitae Variant Classification Sherloc (09022015). Collection method: clinical testing. Allele origin: germline. Not counted in ClinVar's aggregate classification.
Comment: This sequence change replaces tyrosine, which is neutral and polar, with cysteine, which is neutral and slightly polar, at codon 1186 of the FBN1 protein (p.Tyr1186Cys). This variant is not present in population databases (gnomAD no frequency). This missense change has been observed in individual(s) with clinical features of Marfan syndrome (PMID: 19293843, 31061752; internal data). ClinVar contains an entry for this variant (Variation ID: 495594). Invitae Evidence Modeling of protein sequence and biophysical properties (such as structural, functional, and spatial information, amino acid conservation, physicochemical variation, residue mobility, and thermodynamic stability) indicates that this missense variant is expected to disrupt FBN1 protein function with a positive predictive value of 95%. For these reasons, this variant has been classified as Pathogenic.

Women's Health and Genetics/Laboratory Corporation of America, LabCorp
Classification: Uncertain significance. Last evaluated: 2016-05-12. Review status: criteria provided, single submitter. Criteria: LabCorp Variant Classification Summary - May 2015. Collection method: clinical testing. Allele origin: germline. Not counted in ClinVar's aggregate classification.
Comment: Variant summary: The FBN1 c.3557A>G (p.Tyr1186Cys) variant involves the alteration of a conserved nucleotide located in a conserved region within EGF-like #14. "The sulfhydryl group of cysteine is unique in its ability to participate in disulfide covalent cross-linkage. In fact, two thirds of fibrillin cysteine residues exist in the half-cystinyl form, suggesting their participation in intramolecular disulfide linkage. The cysteine residues in the EGF-like motif may also be necessary for intermolecular interactions with other fibrillin molecules or with other proteins (Dietz_1992)." Therefore, alteration of cysteine in this domain could disrupt disulfide binding, effecting secondary or tertiary structure or possibly impairing fibrillin interactions. In support of a deleterious effect of this variant, 4/4 in silico tools predict a damaging outcome for this variant (SNPs&GO not captured due to low reliability index) and the variant is absent in 120500 control chromosomes. The variant was detected in one classicial MFS patient in the literature (Stheneur_2009). Therefore, the variant was classified as a VUS - possibly pathogenic variant.

Center for Medical Genetics Ghent, University of Ghent
Classification: Likely pathogenic for Marfan syndrome. Last evaluated: 2017-11-07. Review status: no assertion criteria provided. Collection method: clinical testing. Allele origin: germline. Affected: yes. Not counted in ClinVar's aggregate classification.

Literature cited by the submitters: PubMed 19293843 (cited by Labcorp Genetics (formerly Invitae), Labcorp and Women's Health and Genetics/Laboratory Corporation of America, LabCorp); PubMed 31061752 (cited by Labcorp Genetics (formerly Invitae), Labcorp); PubMed 11933199 (cited by Women's Health and Genetics/Laboratory Corporation of America, LabCorp); PubMed 24941995 (cited by Women's Health and Genetics/Laboratory Corporation of America, LabCorp).

NM_000138.5(FBN1):c.3557A>G (p.Tyr1186Cys)

Gene: FBN1 (fibrillin 1; minus strand). Cytogenetic location: 15q21.1.
Variant type: single nucleotide variant.
Coding change: c.3557A>G on transcript NM_000138.5 (MANE Select); coding-DNA position 3557, A replaced by G.
Protein change: p.Tyr1186Cys; replaces tyrosine 1186 with cysteine.
Molecular consequence: missense variant.
Genome position (GRCh38, 1-based): chr15:48,487,107, T>C on the plus strand (A>G on the coding strand, the complement: FBN1 is on the minus strand). VCF-style: chr15-48487107-T-C. GRCh37 (hg19) VCF-style: chr15-48779304-T-C.
Other names: NM_000138.5(FBN1):c.3557A>G; p.Tyr1186Cys; short protein forms Y1186C.
Identifiers: ClinVar variation 495594 (VCV000495594.12), dbSNP rs1555398511, ClinGen allele CA392324980.